The following is an entry in ClinVar:

ClinVar aggregate classification (germline): Uncertain significance. Review status: criteria provided, multiple submitters, no conflicts (2 of 4 stars). 2 submissions from 2 submitters: Uncertain significance (2). Last evaluated 2025-05-20.

Conditions:
Inborn genetic diseases. Identifiers: MedGen C0950123, MeSH D030342.

gnomAD v4.1: 72 of 1,548,202 alleles (0.0047%); highest among the groups gnomAD compares: Admixed American, 0.0059%; no homozygotes.

Submissions (2):

Ambry Genetics
Classification: Uncertain significance for Inborn genetic diseases. Last evaluated: 2025-05-20. Review status: criteria provided, single submitter. Criteria: Ambry Variant Classification Scheme 2023. Collection method: clinical testing. Allele origin: germline.

Labcorp Genetics (formerly Invitae), Labcorp
Classification: Uncertain significance. Last evaluated: 2024-07-29. Review status: criteria provided, single submitter. Criteria: Invitae Variant Classification Sherloc (09022015). Collection method: clinical testing. Allele origin: germline.
Comment: This sequence change replaces threonine, which is neutral and polar, with methionine, which is neutral and non-polar, at codon 1277 of the OBSL1 protein (p.Thr1277Met). The frequency data for this variant in the population databases is considered unreliable, as metrics indicate poor data quality at this position in the gnomAD database. This variant has not been reported in the literature in individuals affected with OBSL1-related conditions. ClinVar contains an entry for this variant (Variation ID: 1060822). An algorithm developed to predict the effect of missense changes on protein structure and function (PolyPhen-2) suggests that this variant is likely to be disruptive. In summary, the available evidence is currently insufficient to determine the role of this variant in disease. Therefore, it has been classified as a Variant of Uncertain Significance.

NM_015311.3(OBSL1):c.3830C>T (p.Thr1277Met)

Gene: OBSL1 (obscurin like cytoskeletal adaptor 1; minus strand). Cytogenetic location: 2q35.
Variant type: single nucleotide variant.
Coding change: c.3830C>T on transcript NM_015311.3 (MANE Select); coding-DNA position 3830, C replaced by T.
Protein change: p.Thr1277Met; replaces threonine 1277 with methionine.
Molecular consequence: missense variant.
Genome position (GRCh38, 1-based): chr2:219,557,579, G>A on the plus strand (C>T on the coding strand, the complement: OBSL1 is on the minus strand). VCF-style: chr2-219557579-G-A. GRCh37 (hg19) VCF-style: chr2-220422301-G-A.
Other names: c.3830C>T, p.Thr1277Met (NM_001173431.2); c.3830C>T (NM_015311.2); short protein forms T1277M.
Identifiers: ClinVar variation 1060822 (VCV001060822.9), dbSNP rs778186984, ClinGen allele CA2130735.